The following is an entry in ClinVar:

ClinVar aggregate classification (germline): Likely benign. Review status: criteria provided, multiple submitters, no conflicts (2 of 4 stars). 2 submissions from 2 submitters: Likely benign (2). Last evaluated 2022-11-29.

Conditions:
Lipoic acid synthetase deficiency. Also called: HYPERGLYCINEMIA, LACTIC ACIDOSIS, AND SEIZURES. Identifiers: Orphanet 401859, MedGen C3280887, MONDO:0013762, OMIM 614462.

Allele frequency attached by ClinVar (database versions not stated): gnomAD exomes below 0.00001 and 0.00001; gnomAD 0.00001; TOPMed 0.00001; ExAC 0.00002.
gnomAD v4.1: 4 of 1,612,438 alleles (0.00025%); highest among the groups gnomAD compares: African/African-American, 0.0013%; no homozygotes.

Submissions (2):

Labcorp Genetics (formerly Invitae), Labcorp
Classification: Likely benign for Lipoic acid synthetase deficiency. Last evaluated: 2022-11-29. Review status: criteria provided, single submitter. Criteria: Invitae Variant Classification Sherloc (09022015). Collection method: clinical testing. Allele origin: germline.

GeneDx
Classification: Likely benign. Last evaluated: 2017-11-02. Review status: criteria provided, single submitter. Criteria: GeneDx Variant Classification (06012015). Collection method: clinical testing. Allele origin: germline. Affected: yes.
Comment: This variant is considered likely benign or benign based on one or more of the following criteria: it is a conservative change, it occurs at a poorly conserved position in the protein, it is predicted to be benign by multiple in silico algorithms, and/or has population frequency not consistent with disease.

NM_006859.4(LIAS):c.387G>A (p.Thr129=)

Gene: LIAS (lipoic acid synthetase; plus strand). Cytogenetic location: 4p14.
Variant type: single nucleotide variant.
Coding change: c.387G>A on transcript NM_006859.4 (MANE Select); coding-DNA position 387, G replaced by A.
Protein change: p.Thr129=; no amino-acid change (threonine 129 retained).
Molecular consequence: synonymous variant. On other transcripts: missense variant (2).
Genome position (GRCh38, 1-based): chr4:39,463,599, G>A. VCF-style: chr4-39463599-G-A. GRCh37 (hg19) VCF-style: chr4-39465219-G-A.
Other names: c.387G>A, p.Thr129= (NM_001278590.2, NM_001278591.2, NM_194451.3); c.293G>A, p.Arg98Gln (NM_001278592.2, NM_001363700.2); short protein forms R98Q.
Identifiers: ClinVar variation 512923 (VCV000512923.9), dbSNP rs746196972, ClinGen allele CA2894656.
Genomic context (GRCh38, chr4:39,463,599, plus strand): 5'-TCGATGTCCCAATATTGGAGAGTGTTGGGGAGGTGGAGAATATGCCACCGCCACAGCCAC[G>A]ATCATGGTAGGGCCAGCCTCAACCTCTATGGCTTTAGTCTAGAAACTGAAAGGGACTATT-3'
Protein context (NP_006850.2, residues 119-139): GGGEYATATA[Thr129=]IMLMGDTCTR